The following is an entry in ClinVar:

NM_001113491.2(SEPTIN9):c.1380+5G>C

Gene: SEPTIN9 (septin 9; plus strand). Cytogenetic location: 17q25.3.
Variant type: single nucleotide variant.
Coding change: c.1380+5G>C on transcript NM_001113491.2 (MANE Select); 5 bases into the intron after coding-DNA position 1380, G replaced by C.
Molecular consequence: intron variant.
Genome position (GRCh38, 1-based): chr17:77,490,864, G>C. VCF-style: chr17-77490864-G-C. GRCh37 (hg19) VCF-style: chr17-75486946-G-C.
Other names: c.1323+5G>C (NM_001293695.2); c.888+5G>C (NM_001113492.2, NM_001113494.1); c.1326+5G>C (NM_006640.5); c.1359+5G>C (NM_001113493.2); c.708+5G>C (NM_001293696.2); c.627+5G>C (NM_001113496.2, NM_001293697.2, NM_001293698.2 and 1 more transcripts).
Identifiers: ClinVar variation 2445475 (VCV002445475.6), dbSNP rs762976032, ClinGen allele CA8793769.

ClinVar aggregate classification (germline): Uncertain significance. Review status: criteria provided, multiple submitters, no conflicts (2 of 4 stars). 3 submissions from 3 submitters: Uncertain significance (3). Last evaluated 2025-09-24.

Allele frequency attached by ClinVar (database versions not stated): ExAC 0.00004.
gnomAD v4.1: 133 of 1,563,078 alleles (0.0085%); highest among the groups gnomAD compares: Non-Finnish European, 0.011%; no homozygotes.

Submissions (3):

Labcorp Genetics (formerly Invitae), Labcorp
Classification: Uncertain significance. Last evaluated: 2025-09-24. Review status: criteria provided, single submitter. Criteria: Invitae Variant Classification Sherloc (09022015). Collection method: clinical testing. Allele origin: germline.
Comment: This sequence change falls in intron 7 of the SEPT9 gene. It does not directly change the encoded amino acid sequence of the SEPT9 protein. It affects a nucleotide within the consensus splice site. This variant is present in population databases (rs762976032, gnomAD 0.007%). This variant has not been reported in the literature in individuals affected with SEPT9-related conditions. ClinVar contains an entry for this variant (Variation ID: 2445475). Variants that disrupt the consensus splice site are a relatively common cause of aberrant splicing (PMID: 17576681, 9536098). Algorithms developed to predict the effect of sequence changes on RNA splicing suggest that this variant is not likely to affect RNA splicing. In summary, the available evidence is currently insufficient to determine the role of this variant in disease. Therefore, it has been classified as a Variant of Uncertain Significance.

Women's Health and Genetics/Laboratory Corporation of America, LabCorp
Classification: Uncertain significance. Last evaluated: 2024-07-30. Review status: criteria provided, single submitter. Criteria: LabCorp Variant Classification Summary - May 2015. Collection method: clinical testing. Allele origin: germline.
Comment: Variant summary: SEPTIN9 c.1326+5G>C alters a non-conserved nucleotide located close to a canonical splice site and therefore could affect mRNA splicing, leading to a significantly altered protein sequence. Computational tools predict a significant impact on normal splicing: Three predict the variant weakens or abolishes a 5' splicing donor site. However, these predictions have yet to be confirmed by functional studies. The variant was detected at a frequency of 0.00003429 in 174968 control chromosomes. This frequency is not significantly higher than estimated for a pathogenic variant in SEPTIN9 causing Amyotrophic Neuralgia, allowing no conclusion about variant significance. To our knowledge, no occurrence of c.1326+5G>C in individuals affected with Amyotrophic Neuralgia and no experimental evidence demonstrating its impact on protein function have been reported. ClinVar contains an entry for this variant (Variation ID: 2445475). Based on the evidence outlined above, the variant was classified as uncertain significance.

Blueprint Genetics
Classification: Uncertain significance. Last evaluated: 2023-05-08. Review status: criteria provided, single submitter. Criteria: ACMG Guidelines, 2015. Collection method: clinical testing. Allele origin: germline.

Literature cited by the submitters: PubMed 17576681 (cited by Labcorp Genetics (formerly Invitae), Labcorp); PubMed 9536098 (cited by Labcorp Genetics (formerly Invitae), Labcorp).